The following is an entry in ClinVar:

ClinVar aggregate classification (germline): Pathogenic (1 of 4 stars; one submission).

Conditions:
Hereditary nonpolyposis colorectal neoplasms. Identifiers: MedGen C0009405, MeSH D003123.

Submission:

Labcorp Genetics (formerly Invitae), Labcorp
Classification: Pathogenic for Hereditary nonpolyposis colorectal neoplasms. Last evaluated: 2022-08-16. Review status: criteria provided, single submitter. Criteria: Invitae Variant Classification Sherloc (09022015). Collection method: clinical testing. Allele origin: germline.
Comment: This variant is a gross deletion of the genomic region encompassing exon(s) 2-6 of the MSH6 gene. This deletion is out-of-frame, and is expected to create a premature termination codon and result in an absent or disrupted protein product. Loss-of-function variants in MSH6 are known to be pathogenic (PMID: 18269114, 24362816). A similar copy number variant has been observed in individual(s) with clinical features of Lynch syndrome (PMID: 20028993). For these reasons, this variant has been classified as Pathogenic.

Literature cited by the submitters: PubMed 18269114; PubMed 24362816; PubMed 20028993.

NC_000002.11:g.(?_48018056)_(48032572_?)del

Gene: MSH6 (mutS homolog 6; plus strand). Cytogenetic location: 2p16.3.
Variant type: Deletion.
Identifiers: ClinVar variation 2422543 (VCV002422543.2).